The following is an entry in ClinVar:

ClinVar aggregate classification (germline): Benign (1 of 4 stars; one submission).

Submission:

ISCA site 4
Classification: Benign. Last evaluated: 2011-08-12. Review status: criteria provided, single submitter. Criteria: Kaminsky et al. (Genet Med. 2011). Collection method: clinical testing. Allele origin: unknown. Affected: yes. Observed: 1 variant allele.
Comment: Copy number variation identified through the course of routine clinical cytogenomic testing in postnatal populations. Clinical assertions have been curated as described in Kaminsky et al. 2011.

GRCh38/hg38 2p12(chr2:81042440-82182247)x3

Genes: LINC01815 (long intergenic non-protein coding RNA 1815; minus strand), LOC102724542 (uncharacterized LOC102724542; plus strand), LOC126806257 (P300/CBP strongly-dependent group 1 enhancer GRCh37_chr2:81884908-81886107; plus strand), LOC129388880 (MPRA-validated peak3756 silencer; plus strand), LOC129388881 (MPRA-validated peak3758 silencer; plus strand). Cytogenetic location: 2p12.
Variant type: copy number gain.
Change: copy number 3 (three copies instead of two) of chr2:81,042,440-82,182,247 (1.14 Mb, GRCh38 coordinates, 1-based), cytogenetic band 2p12.
Identifiers: ClinVar variation 59756 (VCV000059756.1).